The following is an entry in ClinVar:

NM_016292.3(TRAP1):c.330+4C>T

Gene: TRAP1 (TNF receptor associated protein 1; minus strand). Cytogenetic location: 16p13.3.
Variant type: single nucleotide variant.
Coding change: c.330+4C>T on transcript NM_016292.3 (MANE Select); 4 bases into the intron after coding-DNA position 330, C replaced by T.
Molecular consequence: intron variant.
Genome position (GRCh38, 1-based): chr16:3,689,051, G>A on the plus strand (C>T on the coding strand, the complement: TRAP1 is on the minus strand). VCF-style: chr16-3689051-G-A. GRCh37 (hg19) VCF-style: chr16-3739052-G-A.
Other names: c.171+4C>T (NM_001272049.2).
Identifiers: ClinVar variation 3058630 (VCV003058630.3), dbSNP rs777816870, ClinGen allele CA7868748.

ClinVar aggregate classification (germline): Uncertain significance. Review status: criteria provided, single submitter (1 of 4 stars). 2 submissions from 2 submitters: Uncertain significance (1). 1 of the submissions does not count toward it. Last evaluated 2025-04-02.

Conditions:
TRAP1-related disorder. Also called: TRAP1-related condition.

Allele frequency attached by ClinVar (database versions not stated): gnomAD exomes 0.00001; ExAC 0.00002; gnomAD 0.00002.

Submissions (2):

Labcorp Genetics (formerly Invitae), Labcorp
Classification: Uncertain significance. Last evaluated: 2025-04-02. Review status: criteria provided, single submitter. Criteria: Invitae Variant Classification Sherloc (09022015). Collection method: clinical testing. Allele origin: germline.
Comment: This sequence change falls in intron 3 of the TRAP1 gene. It does not directly change the encoded amino acid sequence of the TRAP1 protein. It affects a nucleotide within the consensus splice site. This variant is present in population databases (rs777816870, gnomAD 0.007%). This variant has not been reported in the literature in individuals affected with TRAP1-related conditions. ClinVar contains an entry for this variant (Variation ID: 3058630). Variants that disrupt the consensus splice site are a relatively common cause of aberrant splicing (PMID: 17576681, 9536098). Algorithms developed to predict the effect of sequence changes on RNA splicing suggest that this variant is not likely to affect RNA splicing. In summary, the available evidence is currently insufficient to determine the role of this variant in disease. Therefore, it has been classified as a Variant of Uncertain Significance.

PreventionGenetics, part of Exact Sciences
Classification: Likely benign for TRAP1-related condition. Last evaluated: 2023-09-12. Review status: no assertion criteria provided. Collection method: clinical testing. Allele origin: germline. Not counted in ClinVar's aggregate classification.
Comment: This variant is classified as likely benign based on ACMG/AMP sequence variant interpretation guidelines (Richards et al. 2015 PMID: 25741868, with internal and published modifications).

Literature cited by the submitters: PubMed 17576681 (cited by Labcorp Genetics (formerly Invitae), Labcorp); PubMed 9536098 (cited by Labcorp Genetics (formerly Invitae), Labcorp).